The following is an entry in ClinVar:

ClinVar aggregate classification (germline): Pathogenic (1 of 4 stars; one submission).

Conditions:
Nemaline myopathy 9 (NEM9). Identifiers: MedGen C3810384, MONDO:0014326, OMIM 615731.

Submission:

Labcorp Genetics (formerly Invitae), Labcorp
Classification: Pathogenic for Nemaline myopathy 9. Last evaluated: 2023-02-16. Review status: criteria provided, single submitter. Criteria: Invitae Variant Classification Sherloc (09022015). Collection method: clinical testing. Allele origin: germline.
Comment: For these reasons, this variant has been classified as Pathogenic. This variant has not been reported in the literature in individuals affected with KLHL41-related conditions. This variant is not present in population databases (gnomAD no frequency). This sequence change creates a premature translational stop signal (p.Trp475*) in the KLHL41 gene. It is expected to result in an absent or disrupted protein product. Loss-of-function variants in KLHL41 are known to be pathogenic (PMID: 24268659).

Literature cited by the submitters: PubMed 24268659.

NM_006063.3(KLHL41):c.1425G>A (p.Trp475Ter)

Gene: KLHL41 (kelch like family member 41; plus strand). Cytogenetic location: 2q31.1.
Variant type: single nucleotide variant.
Coding change: c.1425G>A on transcript NM_006063.3 (MANE Select); coding-DNA position 1425, G replaced by A.
Protein change: p.Trp475Ter; replaces tryptophan 475 with a stop codon.
Molecular consequence: nonsense.
Genome position (GRCh38, 1-based): chr2:169,518,238, G>A. VCF-style: chr2-169518238-G-A. GRCh37 (hg19) VCF-style: chr2-170374748-G-A.
Other names: short protein forms W475*.
Identifiers: ClinVar variation 2815530 (VCV002815530.3), dbSNP rs2468059698, ClinGen allele CA349179024.
Genomic context (GRCh38, chr2:169,518,238, plus strand): 5'-TTCTGTTTACAGAAAATGTACAAACAGGGTGTTTATCTTCAACCCCAAAAAAGGAGATTG[G>A]AAAGATCTGGCTCCAATGAAAATTCCTCGTTCCATGTTTGGAGTAGCAGTCCATAAAGGC-3'